The following is an entry in ClinVar:

NM_004370.6(COL12A1):c.1890A>C (p.Lys630Asn)

Gene: COL12A1 (collagen type XII alpha 1 chain; minus strand). Cytogenetic location: 6q13.
Variant type: single nucleotide variant.
Coding change: c.1890A>C on transcript NM_004370.6 (MANE Select); coding-DNA position 1890, A replaced by C.
Protein change: p.Lys630Asn; replaces lysine 630 with asparagine.
Molecular consequence: missense variant. On other transcripts: intron variant (2).
Genome position (GRCh38, 1-based): chr6:75,183,051, T>G on the plus strand (A>C on the coding strand, the complement: COL12A1 is on the minus strand). VCF-style: chr6-75183051-T-G. GRCh37 (hg19) VCF-style: chr6-75892767-T-G.
Other names: c.1890A>C, p.Lys630Asn (NM_001424113.1, NM_001424114.1, NM_001424115.1); c.73+19669A>C (NM_001424116.1, NM_080645.3); short protein forms K630N.
Identifiers: ClinVar variation 2949812 (VCV002949812.3), dbSNP rs1769399970, ClinGen allele CA364768386.

ClinVar aggregate classification (germline): Uncertain significance (1 of 4 stars; one submission).

Conditions:
Ullrich congenital muscular dystrophy 2 (UCMD2). Identifiers: Orphanet 75840, MedGen C4225314, MONDO:0014654, OMIM 616470.
Bethlem myopathy 2 (BTHLM2). Identifiers: Orphanet 536516, Orphanet 610, MedGen C4225313, MONDO:0034022, OMIM 616471.

Submission:

Labcorp Genetics (formerly Invitae), Labcorp
Classification: Uncertain significance for Bethlem myopathy 2; Ullrich congenital muscular dystrophy 2. Last evaluated: 2023-07-12. Review status: criteria provided, single submitter. Criteria: Invitae Variant Classification Sherloc (09022015). Collection method: clinical testing. Allele origin: germline.
Comment: In summary, the available evidence is currently insufficient to determine the role of this variant in disease. Therefore, it has been classified as a Variant of Uncertain Significance. An algorithm developed to predict the effect of missense changes on protein structure and function (PolyPhen-2) suggests that this variant is likely to be disruptive. This variant has not been reported in the literature in individuals affected with COL12A1-related conditions. This variant is not present in population databases (gnomAD no frequency). This sequence change replaces lysine, which is basic and polar, with asparagine, which is neutral and polar, at codon 630 of the COL12A1 protein (p.Lys630Asn).